The following is an entry in ClinVar:

ClinVar aggregate classification (germline): Uncertain significance (1 of 4 stars; one submission).

Conditions:
Hypertrophic cardiomyopathy 9. Also called: Familial hypertrophic cardiomyopathy 9. Identifiers: MedGen C1861065, MONDO:0013412, OMIM 613765.

Submission:

Breda Genetics srl
Classification: Uncertain significance for Hypertrophic cardiomyopathy 9. Last evaluated: 2020-10-30. Review status: criteria provided, single submitter. Criteria: ACMG Guidelines, 2015. Collection method: clinical testing. Allele origin: inherited. Inheritance: Autosomal dominant inheritance. Affected: yes. Observed: 1 variant allele, 1 heterozygote.
Comment: Based on allele frequency, in-silico prediction scores and a certain overlap with the clinical phenotype, we interpreted this variant at least as of uncertain significance. The lack of one or more of the following features has discouraged further investigations: lack of a possible second hit in autosomal recessive conditions, presence of healthy controls in databases for autosomal dominant conditions, presence of unmatching cardinal clinical features in the patient or in the known gene-disease association, lack of familial segregation, and/or variant type outside the known gene mutational spectrum.

NM_001267550.2(TTN):c.6884T>C (p.Ile2295Thr)

Genes: TTN (titin; minus strand), LOC126806433 (BRD4-independent group 4 enhancer GRCh37_chr2:179638309-179639508; plus strand). Cytogenetic location: 2q31.2.
Variant type: single nucleotide variant.
Coding change: c.6884T>C on transcript NM_001267550.2 (MANE Select); coding-DNA position 6884, T replaced by C.
Protein change: p.Ile2295Thr; replaces isoleucine 2295 with threonine.
Molecular consequence: missense variant.
Genome position (GRCh38, 1-based): chr2:178,774,380, A>G on the plus strand (T>C on the coding strand, the complement: TTN is on the minus strand). VCF-style: chr2-178774380-A-G. GRCh37 (hg19) VCF-style: chr2-179639107-A-G.
Other names: c.6884T>C, p.Ile2295Thr (NM_001256850.1, NM_133378.4, NM_133379.5); c.6746T>C, p.Ile2249Thr (NM_003319.4, NM_133432.3, NM_133437.4); short protein forms I2249T, I2295T.
Identifiers: ClinVar variation 1297470 (VCV001297470.1), dbSNP rs1561265332, ClinGen allele CA349681504.